The following is an entry in ClinVar:

ClinVar aggregate classification (germline): Uncertain significance. Review status: criteria provided, multiple submitters, no conflicts (2 of 4 stars). 2 submissions from 2 submitters: Uncertain significance (2). Last evaluated 2025-05-18.

Conditions:
Inborn genetic diseases. Identifiers: MedGen C0950123, MeSH D030342.
Epidermodysplasia verruciformis. Identifiers: Orphanet 302, MedGen C0014522, MONDO:0009176.

Allele frequency attached by ClinVar (database versions not stated): gnomAD exomes below 0.00001; TOPMed 0.00005; ExAC 0.00002; gnomAD 0.00004.
gnomAD v4.1: 11 of 1,613,154 alleles (0.00068%); highest among the groups gnomAD compares: African/African-American, 0.013%; no homozygotes.

Submissions (2):

Ambry Genetics
Classification: Uncertain significance for Inborn genetic diseases. Last evaluated: 2025-05-18. Review status: criteria provided, single submitter. Criteria: Ambry Variant Classification Scheme 2023. Collection method: clinical testing. Allele origin: germline.

Labcorp Genetics (formerly Invitae), Labcorp
Classification: Uncertain significance for Epidermodysplasia verruciformis. Last evaluated: 2022-07-26. Review status: criteria provided, single submitter. Criteria: Invitae Variant Classification Sherloc (09022015). Collection method: clinical testing. Allele origin: germline.
Comment: This sequence change replaces proline, which is neutral and non-polar, with leucine, which is neutral and non-polar, at codon 12 of the TMC6 protein (p.Pro12Leu). This variant is present in population databases (rs781092489, gnomAD 0.02%). This variant has not been reported in the literature in individuals affected with TMC6-related conditions. Algorithms developed to predict the effect of missense changes on protein structure and function output the following: SIFT: "Not Available"; PolyPhen-2: "Benign"; Align-GVGD: "Not Available". The leucine amino acid residue is found in multiple mammalian species, which suggests that this missense change does not adversely affect protein function. In summary, the available evidence is currently insufficient to determine the role of this variant in disease. Therefore, it has been classified as a Variant of Uncertain Significance.

NM_001127198.5(TMC6):c.35C>T (p.Pro12Leu)

Gene: TMC6 (transmembrane channel like 6; minus strand). Cytogenetic location: 17q25.3.
Variant type: single nucleotide variant.
Coding change: c.35C>T on transcript NM_001127198.5 (MANE Select); coding-DNA position 35, C replaced by T.
Protein change: p.Pro12Leu; replaces proline 12 with leucine.
Molecular consequence: missense variant. On other transcripts: non-coding transcript variant (4).
Genome position (GRCh38, 1-based): chr17:78,126,798, G>A on the plus strand (C>T on the coding strand, the complement: TMC6 is on the minus strand). VCF-style: chr17-78126798-G-A. GRCh37 (hg19) VCF-style: chr17-76122879-G-A.
Other names: c.35C>T, p.Pro12Leu (NM_001321185.1, NM_001374593.1, NM_001374594.1 and 4 more transcripts); short protein forms P12L.
Identifiers: ClinVar variation 1951505 (VCV001951505.5), dbSNP rs781092489, ClinGen allele CA8796296.